The following is an entry in ClinVar:

ClinVar aggregate classification (germline): Likely benign (1 of 4 stars; one submission).

Allele frequency attached by ClinVar (database versions not stated): ExAC 0.00192; gnomAD 0.00356; ESP Exome Variant Server 0.00369; 1000 Genomes Project 30x 0.00437; 1000 Genomes Project 0.00439; TOPMed 0.00449.
gnomAD v4.1: 2,350 of 1,610,458 alleles (0.15%); highest among the groups gnomAD compares: African/African-American, 0.91%; 12 homozygotes.

Submission:

CeGaT Center for Human Genetics Tuebingen
Classification: Likely benign. Last evaluated: 2023-11-01. Review status: criteria provided, single submitter. Criteria: CeGaT Center For Human Genetics Tuebingen Variant Classification Criteria Version 2. Collection method: clinical testing. Allele origin: germline. Affected: yes. Observed: 1 variant allele.
Comment: LPA: BS2

NM_005577.4(LPA):c.5311C>T (p.Arg1771Cys)

Gene: LPA (lipoprotein(a); minus strand). Cytogenetic location: 6q25.3.
Variant type: single nucleotide variant.
Coding change: c.5311C>T on transcript NM_005577.4 (MANE Select); coding-DNA position 5311, C replaced by T.
Protein change: p.Arg1771Cys; replaces arginine 1771 with cysteine.
Molecular consequence: missense variant.
Genome position (GRCh38, 1-based): chr6:160,545,527, G>A on the plus strand (C>T on the coding strand, the complement: LPA is on the minus strand). VCF-style: chr6-160545527-G-A. GRCh37 (hg19) VCF-style: chr6-160966559-G-A.
Other names: short protein forms R1771C.
Identifiers: ClinVar variation 2673089 (VCV002673089.23), dbSNP rs139145675, ClinGen allele CA4085769.